The following is an entry in ClinVar:

NM_007294.4(BRCA1):c.4978G>T (p.Glu1660Ter)

Gene: BRCA1 (BRCA1 DNA repair associated; minus strand). Cytogenetic location: 17q21.31.
Variant type: single nucleotide variant.
Coding change: c.4978G>T on transcript NM_007294.4 (MANE Select); coding-DNA position 4978, G replaced by T.
Protein change: p.Glu1660Ter; replaces glutamic acid 1660 with a stop codon.
Molecular consequence: nonsense. On other transcripts: non-coding transcript variant (1).
Genome position (GRCh38, 1-based): chr17:43,070,936, C>A on the plus strand (G>T on the coding strand, the complement: BRCA1 is on the minus strand). VCF-style: chr17-43070936-C-A. GRCh37 (hg19) VCF-style: chr17-41222953-C-A.
Other names: c.4765G>T, p.Glu1589Ter (NM_001407571.1, NM_001407894.1, NM_001407895.1 and 12 more transcripts); c.5044G>T, p.Glu1682Ter (NM_001407581.1, NM_001407582.1); c.5041G>T, p.Glu1681Ter (NM_001407583.1, NM_001407585.1, NM_001407587.1 and 1 more transcripts); c.5038G>T, p.Glu1680Ter (NM_001407590.1, NM_001407591.1); c.4978G>T, p.Glu1660Ter (NM_001407593.1, NM_001407594.1, NM_001407596.1 and 8 more transcripts); c.4975G>T, p.Glu1659Ter (NM_001407619.1, NM_001407620.1, NM_001407621.1 and 17 more transcripts); c.4972G>T, p.Glu1658Ter (NM_001407627.1, NM_001407638.1, NM_001407639.1 and 14 more transcripts); c.4969G>T, p.Glu1657Ter (NM_001407644.1, NM_001407645.1); and 70 more; short protein forms E1660*, E1681*, E556*, E1613*, E1571*, E1588*, E1618*, E1619*.
Identifiers: ClinVar variation 868469 (VCV000868469.3), dbSNP rs2052356742, ClinGen allele CA10591570.
Genomic context (GRCh38, chr17:43,070,936, plus strand): 5'-CAGAATGTTGTTAAGTCTTAGTCATTAGGGAGATACATATGGATACACTCACAAATTCTT[C>A]TGGGGTCAGGCCAGACACCACCATGGACATTCTTTTGTTGACCCTTTCTGTTGAAGCTGT-3'

Conditions:
Breast-ovarian cancer, familial, susceptibility to, 1 (BROVCA1). Also called: BRCA1 Hereditary Breast and Ovarian Cancer; OVARIAN CANCER, SUSCEPTIBILITY TO. Identifiers: Orphanet 145, MedGen C2676676, MONDO:0011450, OMIM 604370. Disease mechanism: loss of function.

Submission:

Brotman Baty Institute, University of Washington
No classification provided (evidence only). Condition: Breast-ovarian cancer, familial 1. Review status: no classification provided. Collection method: in vitro. Allele origin: not applicable. Functional consequence: functionally_abnormal.
ClinVar note: "not provided" was previously submitted as the classification for the variant. However, the classification appeared to be based only on an observation of functional data so it was converted to no classification on 2025-07-30.